The following is an entry in ClinVar:

NM_000384.3(APOB):c.12903C>T (p.Asp4301=)

Gene: APOB (apolipoprotein B; minus strand). Cytogenetic location: 2p24.1.
Variant type: single nucleotide variant.
Coding change: c.12903C>T on transcript NM_000384.3 (MANE Select); coding-DNA position 12903, C replaced by T.
Protein change: p.Asp4301=; no amino-acid change (aspartic acid 4301 retained).
Molecular consequence: synonymous variant.
Genome position (GRCh38, 1-based): chr2:21,002,519, G>A on the plus strand (C>T on the coding strand, the complement: APOB is on the minus strand). VCF-style: chr2-21002519-G-A. GRCh37 (hg19) VCF-style: chr2-21225391-G-A.
Identifiers: ClinVar variation 334074 (VCV000334074.29), dbSNP rs200145506, ClinGen allele CA051478.

ClinVar aggregate classification (germline): Conflicting classifications of pathogenicity. Review status: criteria provided, conflicting classifications (1 of 4 stars). 10 submissions from 9 submitters: Uncertain significance (2); Benign (1); Likely benign (6). 1 of the submissions does not count toward it. Last evaluated 2026-09-01.

Conditions:
Cardiovascular phenotype. Identifiers: MedGen CN230736.
Familial hypobetalipoproteinemia 1. Also called: APOB-Related Familial Hypobetalipoproteinemia; Hypobetalipoproteinemia, normotriglyceridemic; Acanthocytosis with hypobetalipoproteinemia. Identifiers: MedGen C4551990, MONDO:0014252, OMIM 615558.
Hypercholesterolemia, autosomal dominant, type B (FHCL2). Also called: Hyperlipoproteinemia Type IIb; Familial hypercholesterolemia 2; APOB-Related Familial Hypercholesterolemia, Autosomal Dominant; HYPERCHOLESTEROLEMIA, FAMILIAL, DUE TO LIGAND-DEFECTIVE APOLIPOPROTEIN B; Familial Hypercholesterolemia Type B; APOLIPOPROTEIN B-100, FAMILIAL DEFECTIVE. Identifiers: MedGen C1704417, MONDO:0007751, OMIM 144010.
APOB-related disorder. Also called: APOB-related disorders; APOB-related condition.
Familial hypercholesterolemia. Also called: Familial hypercholesterolemias; Familial hypercholesterolaemia. Identifiers: MedGen C0020445, MONDO:0005439.

Allele frequency attached by ClinVar (database versions not stated): ExAC 0.00005; gnomAD exomes 0.00027; TOPMed 0.00035; 1000 Genomes Project 30x 0.00078; 1000 Genomes Project 0.00080; gnomAD 0.00088 and 0.00090.
gnomAD v4.1: 236 of 1,613,328 alleles (0.015%); highest among the groups gnomAD compares: Admixed American, 0.39%; 5 homozygotes.

Submissions (10):

CeGaT Center for Human Genetics Tuebingen
Classification: Likely benign. Last evaluated: 2026-09-01. Review status: criteria provided, single submitter. Criteria: CeGaT Center For Human Genetics Tuebingen Variant Classification Criteria Version 2. Collection method: clinical testing. Allele origin: germline. Affected: yes. Observed: 5 variant alleles.
Comment: APOB: BP4, BP7

Labcorp Genetics (formerly Invitae), Labcorp
Classification: Likely benign for Familial hypobetalipoproteinemia 1; Hypercholesterolemia, autosomal dominant, type B. Last evaluated: 2026-01-27. Review status: criteria provided, single submitter. Criteria: Invitae Variant Classification Sherloc (09022015). Collection method: clinical testing. Allele origin: germline.

Blueprint Genetics
Classification: Likely benign. Last evaluated: 2024-05-08. Review status: criteria provided, single submitter. Criteria: ACMG Guidelines, 2015. Collection method: clinical testing. Allele origin: germline.

GENinCode PLC
Classification: Likely benign for Familial hypercholesterolemia. Last evaluated: 2023-06-08. Review status: criteria provided, single submitter. Criteria: ACMG Guidelines, 2015. Collection method: clinical testing. Allele origin: germline.
Comment: This is a synonymous (silent) variant that is not predicted by SpliceAI to impact splicing. In addition, it occurs at a nucleotide that is not conserved and has a PopMax FAF which is greater than expected for this disorder. Therefore this variant has been classified as Likely Benign (BS1, BP4, BP7).

Quest Diagnostics Nichols Institute San Juan Capistrano
Classification: Benign. Last evaluated: 2023-04-21. Review status: criteria provided, single submitter. Criteria: Quest Diagnostics criteria. Collection method: clinical testing. Allele origin: unknown.

Ambry Genetics
Classification: Likely benign for Cardiovascular phenotype. Last evaluated: 2022-11-10. Review status: criteria provided, single submitter. Criteria: Ambry Variant Classification Scheme 2023. Collection method: clinical testing. Allele origin: germline.

GeneDx
Classification: Likely benign. Last evaluated: 2020-10-08. Review status: criteria provided, single submitter. Criteria: GeneDx Variant Classification Process June 2021. Collection method: clinical testing. Allele origin: germline. Affected: yes.

Illumina Laboratory Services, Illumina
Classification: Uncertain significance for Familial hypobetalipoproteinemia 1. Last evaluated: 2018-01-13. Review status: criteria provided, single submitter. Criteria: ICSL Variant Classification Criteria 13 December 2019. Collection method: clinical testing. Allele origin: germline.

Illumina Laboratory Services, Illumina
Classification: Uncertain significance for Hypercholesterolemia, autosomal dominant, type B. Last evaluated: 2018-01-13. Review status: criteria provided, single submitter. Criteria: ICSL Variant Classification Criteria 13 December 2019. Collection method: clinical testing. Allele origin: germline.

PreventionGenetics, part of Exact Sciences
Classification: Likely benign for APOB-related condition. Last evaluated: 2020-01-07. Review status: no assertion criteria provided. Collection method: clinical testing. Allele origin: germline. Not counted in ClinVar's aggregate classification.
Comment: This variant is classified as likely benign based on ACMG/AMP sequence variant interpretation guidelines (Richards et al. 2015 PMID: 25741868, with internal and published modifications).

Literature cited by the submitters: PubMed 30122538 (cited by Quest Diagnostics Nichols Institute San Juan Capistrano).